The following is an entry in ClinVar:

ClinVar aggregate classification (germline): Conflicting classifications of pathogenicity. Review status: criteria provided, conflicting classifications (1 of 4 stars). 4 submissions from 4 submitters: Pathogenic (1); Uncertain significance (2). 1 of the submissions does not count toward it. Last evaluated 2024-01-10.

Conditions:
Ovarian dysgenesis 7. Identifiers: MedGen C4748263, MONDO:0020857, OMIM 618117.
46 XX gonadal dysgenesis. Also called: 46,XX gonadal dysgenesis. Identifiers: Orphanet 243, MedGen C0685837, MeSH D023961, MONDO:0009299.
Muscular dystrophy, adult-onset, with leukoencephalopathy. Identifiers: MedGen C1854646, MONDO:0009674, OMIM 253590.

Allele frequency attached by ClinVar (database versions not stated): ExAC 0.00002; TOPMed 0.00001; gnomAD 0.00002; gnomAD exomes 0.00002.

Submissions (5):

Institute of Medical Genetics and Applied Genomics, University Hospital Tübingen
Classification: Uncertain significance for Muscular dystrophy, adult-onset, with leukoencephalopathy. Last evaluated: 2024-01-10. Review status: criteria provided, single submitter. Criteria: ACMG Guidelines, 2015. Collection method: clinical testing. Allele origin: germline. Inheritance: Autosomal recessive inheritance. Affected: yes.

Labcorp Genetics (formerly Invitae), Labcorp
Classification: Uncertain significance. Last evaluated: 2021-10-14. Review status: criteria provided, single submitter. Criteria: Invitae Variant Classification Sherloc (09022015). Collection method: clinical testing. Allele origin: germline.

David Buchner Laboratory, Case Western Reserve University
Classification: Pathogenic for 46 XX gonadal dysgenesis. Last evaluated: 2017-10-16. Review status: criteria provided, single submitter. Criteria: Submitter's publication. Collection method: research. Allele origin: germline. Inheritance: Autosomal recessive inheritance. Affected: no and yes. Observed: 9 variant alleles, 6 heterozygotes, 3 homozygotes. Clinical features observed: 46,XX gonadal dysgenesis.
Comment: Four individuals from two independent consanguineous families with 46,XX gonadal dysgenesis were found to be homozygous for nonsynonymous variants in MRPS22. The unaffected parents and siblings were not homozygous for these mutations. In one of the consanguineous families, the region containing MRPS22 was the only region of homozygosity that segregated with the disease and the variant in MRPS22 was the only nonsynonymous variant in this interval. Additional support for the clinical significance comes from studies in Drosophila that demonstrate mRpS22 is required for fertility and germ cell development.

OMIM
Classification: Pathogenic for OVARIAN DYSGENESIS 7. Last evaluated: 2018-09-12. Review status: no assertion criteria provided. Collection method: literature only. Allele origin: germline. Not counted in ClinVar's aggregate classification.

Dr. Peter K. Rogan Lab, Western University
No classification provided (evidence only). Condition: Ovarian serous cystadenocarcinoma. Review status: no classification provided. Collection method: in vitro. Allele origin: not applicable. Functional consequence: retained intron. Not counted in ClinVar's aggregate classification.

Literature cited by the submitters: PubMed 29566152 (cited by OMIM).

NM_020191.4(MRPS22):c.605G>A (p.Arg202His)

Gene: MRPS22 (mitochondrial ribosomal protein S22; plus strand). Cytogenetic location: 3q23.
Variant type: single nucleotide variant.
Coding change: c.605G>A on transcript NM_020191.4 (MANE Select); coding-DNA position 605, G replaced by A.
Protein change: p.Arg202His; replaces arginine 202 with histidine.
Molecular consequence: missense variant.
Genome position (GRCh38, 1-based): chr3:139,350,279, G>A. VCF-style: chr3-139350279-G-A. GRCh37 (hg19) VCF-style: chr3-139069121-G-A.
Other names: MRPS22, ARG202HIS (rs753345594); chr3:g.139350279G>A; c.482G>A, p.Arg161His (NM_001363857.1); c.602G>A, p.Arg201His (NM_001363893.1); short protein forms R202H, R201H, R161H.
Identifiers: ClinVar variation 441255 (VCV000441255.7), dbSNP rs753345594, ClinGen allele CA2640766.